The following is an entry in ClinVar:

NM_018230.3(NUP133):c.3191T>C (p.Ile1064Thr)

Gene: NUP133 (nucleoporin 133; minus strand). Cytogenetic location: 1q42.13.
Variant type: single nucleotide variant.
Coding change: c.3191T>C on transcript NM_018230.3 (MANE Select); coding-DNA position 3191, T replaced by C.
Protein change: p.Ile1064Thr; replaces isoleucine 1064 with threonine.
Molecular consequence: missense variant.
Genome position (GRCh38, 1-based): chr1:229,449,180, A>G on the plus strand (T>C on the coding strand, the complement: NUP133 is on the minus strand). VCF-style: chr1-229449180-A-G. GRCh37 (hg19) VCF-style: chr1-229584927-A-G.
Other names: short protein forms I1064T.
Identifiers: ClinVar variation 4781292 (VCV004781292.1).
Genomic context (GRCh38, chr1:229,449,180, plus strand): 5'-ACTTACTTATCTCTCTGAAGAGCTTTGCAAAGGATTTCCAGTTTTAGATCATTTATATTT[A>G]TATCTTCTTCCTTCACAGCAAAACAAAAAAAATCCTGATTAAATCCTGGCTCTGAAAGAA-3'
Protein context (NP_060700.2, residues 1054-1074): LLEYIDEEED[Ile1064Thr]NINDLKLEIL

ClinVar aggregate classification (germline): Uncertain significance (1 of 4 stars; one submission).

Submission:

Labcorp Genetics (formerly Invitae), Labcorp
Classification: Uncertain significance. Last evaluated: 2025-03-23. Review status: criteria provided, single submitter. Criteria: Invitae Variant Classification Sherloc (09022015). Collection method: clinical testing. Allele origin: germline.
Comment: This sequence change replaces isoleucine, which is neutral and non-polar, with threonine, which is neutral and polar, at codon 1064 of the NUP133 protein (p.Ile1064Thr). This variant is not present in population databases (gnomAD no frequency). This variant has not been reported in the literature in individuals affected with NUP133-related conditions. An algorithm developed to predict the effect of missense changes on protein structure and function (PolyPhen-2) suggests that this variant is likely to be tolerated. In summary, the available evidence is currently insufficient to determine the role of this variant in disease. Therefore, it has been classified as a Variant of Uncertain Significance.